The following is an entry in ClinVar:

NM_001202.6(BMP4):c.394A>T (p.Thr132Ser)

Gene: BMP4 (bone morphogenetic protein 4; minus strand). Cytogenetic location: 14q22.2.
Variant type: single nucleotide variant.
Coding change: c.394A>T on transcript NM_001202.6 (MANE Select); coding-DNA position 394, A replaced by T.
Protein change: p.Thr132Ser; replaces threonine 132 with serine.
Molecular consequence: missense variant.
Genome position (GRCh38, 1-based): chr14:53,950,865, T>A on the plus strand (A>T on the coding strand, the complement: BMP4 is on the minus strand). VCF-style: chr14-53950865-T-A. GRCh37 (hg19) VCF-style: chr14-54417583-T-A.
Other names: c.535A>T, p.Thr179Ser (NM_001347912.1); c.205A>T, p.Thr69Ser (NM_001347913.2, NM_001347915.2, NM_001347917.1); c.394A>T, p.Thr132Ser (NM_001347914.2, NM_001347916.1, NM_130850.5 and 1 more transcripts); short protein forms T132S, T69S, T179S.
Identifiers: ClinVar variation 2935001 (VCV002935001.3), dbSNP rs199935719, ClinGen allele CA261472684.

ClinVar aggregate classification (germline): Uncertain significance (1 of 4 stars; one submission).

Conditions:
Microphthalmia with brain and digit anomalies (MCOPS6). Also called: MICROPHTHALMIA AND PITUITARY ANOMALIES; Microphthalmia, syndromic 6. Identifiers: Orphanet 139471, MedGen C1864689, MONDO:0011936, OMIM 607932.
Orofacial cleft 11 (OFC11). Also called: Orofacial cleft 11; ofc11; CLEFT LIP WITH OR WITHOUT CLEFT PALATE, NONSYNDROMIC, 11. Identifiers: MedGen C2677434, MONDO:0010906, OMIM 600625.

Submission:

Labcorp Genetics (formerly Invitae), Labcorp
Classification: Uncertain significance for Microphthalmia with brain and digit anomalies; Orofacial cleft 11. Last evaluated: 2022-11-07. Review status: criteria provided, single submitter. Criteria: Invitae Variant Classification Sherloc (09022015). Collection method: clinical testing. Allele origin: germline.
Comment: This sequence change replaces threonine, which is neutral and polar, with serine, which is neutral and polar, at codon 132 of the BMP4 protein (p.Thr132Ser). In summary, the available evidence is currently insufficient to determine the role of this variant in disease. Therefore, it has been classified as a Variant of Uncertain Significance. Advanced modeling of protein sequence and biophysical properties (such as structural, functional, and spatial information, amino acid conservation, physicochemical variation, residue mobility, and thermodynamic stability) performed at Invitae indicates that this missense variant is not expected to disrupt BMP4 protein function. This variant has not been reported in the literature in individuals affected with BMP4-related conditions. This variant is not present in population databases (gnomAD no frequency).